The following is an entry in ClinVar:

ClinVar aggregate classification (germline): Uncertain significance (1 of 4 stars; one submission).

Conditions:
Distal hereditary motor neuropathy type 2. Identifiers: Orphanet 139525, MedGen C3711384, MeSH C580044, MONDO:0015352.

gnomAD v4.1: 1 of 1,607,622 alleles (0.000062%); highest among the groups gnomAD compares: Non-Finnish European, 0.000085%; no homozygotes.

Submission:

Labcorp Genetics (formerly Invitae), Labcorp
Classification: Uncertain significance for Distal hereditary motor neuropathy type 2. Last evaluated: 2024-01-27. Review status: criteria provided, single submitter. Criteria: Invitae Variant Classification Sherloc (09022015). Collection method: clinical testing. Allele origin: germline.
Comment: This sequence change replaces arginine, which is basic and polar, with serine, which is neutral and polar, at codon 235 of the FBXO38 protein (p.Arg235Ser). This variant is not present in population databases (gnomAD no frequency). This variant has not been reported in the literature in individuals affected with FBXO38-related conditions. Advanced modeling of protein sequence and biophysical properties (such as structural, functional, and spatial information, amino acid conservation, physicochemical variation, residue mobility, and thermodynamic stability) has been performed at Invitae for this missense variant, however the output from this modeling did not meet the statistical confidence thresholds required to predict the impact of this variant on FBXO38 protein function. In summary, the available evidence is currently insufficient to determine the role of this variant in disease. Therefore, it has been classified as a Variant of Uncertain Significance.

NM_205836.3(FBXO38):c.705A>T (p.Arg235Ser)

Gene: FBXO38 (F-box protein 38; plus strand). Cytogenetic location: 5q32.
Variant type: single nucleotide variant.
Coding change: c.705A>T on transcript NM_205836.3 (MANE Select); coding-DNA position 705, A replaced by T.
Protein change: p.Arg235Ser; replaces arginine 235 with serine.
Molecular consequence: missense variant.
Genome position (GRCh38, 1-based): chr5:148,404,797, A>T. VCF-style: chr5-148404797-A-T. GRCh37 (hg19) VCF-style: chr5-147784360-A-T.
Other names: c.705A>T, p.Arg235Ser (NM_001271723.2, NM_030793.5); short protein forms R235S.
Identifiers: ClinVar variation 3631692 (VCV003631692.2).